The following is an entry in ClinVar:

ClinVar aggregate classification (germline): Likely benign (1 of 4 stars; one submission).

gnomAD v4.1: 1 of 1,426,954 alleles (0.00007%); no homozygotes.

Submission:

GeneDx
Classification: Likely benign. Last evaluated: 2016-01-29. Review status: criteria provided, single submitter. Criteria: GeneDx Variant Classification (06012015). Collection method: clinical testing. Allele origin: germline. Affected: yes.
Comment: This variant is considered likely benign or benign based on one or more of the following criteria: it is a conservative change, it occurs at a poorly conserved position in the protein, it is predicted to be benign by multiple in silico algorithms, and/or has population frequency not consistent with disease.

NM_000136.3(FANCC):c.-77T>C

Gene: FANCC (FA complementation group C; minus strand). Cytogenetic location: 9q22.32.
Variant type: single nucleotide variant.
Coding change: c.-77T>C on transcript NM_000136.3 (MANE Select); 77 bases upstream of the start codon, T replaced by C.
Molecular consequence: 5 prime UTR variant.
Genome position (GRCh38, 1-based): chr9:95,249,368, A>G on the plus strand (T>C on the coding strand, the complement: FANCC is on the minus strand). VCF-style: chr9-95249368-A-G. GRCh37 (hg19) VCF-style: chr9-98011650-A-G.
Other names: c.-77T>C (NM_001243743.2, NM_001243744.2).
Identifiers: ClinVar variation 383423 (VCV000383423.1), dbSNP rs1057521620, ClinGen allele CA16605578.